The following is an entry in ClinVar:

NM_030962.4(SBF2):c.3518G>A (p.Arg1173His)

Gene: SBF2 (SET binding factor 2; minus strand). Cytogenetic location: 11p15.4.
Variant type: single nucleotide variant.
Coding change: c.3518G>A on transcript NM_030962.4 (MANE Select); coding-DNA position 3518, G replaced by A.
Protein change: p.Arg1173His; replaces arginine 1173 with histidine.
Molecular consequence: missense variant.
Genome position (GRCh38, 1-based): chr11:9,832,358, C>T on the plus strand (G>A on the coding strand, the complement: SBF2 is on the minus strand). VCF-style: chr11-9832358-C-T. GRCh37 (hg19) VCF-style: chr11-9853905-C-T.
Other names: c.3518G>A, p.Arg1173His (NM_001386339.1); c.3389G>A, p.Arg1130His (NM_001386342.1); short protein forms R1173H, R1130H.
Identifiers: ClinVar variation 916936 (VCV000916936.7), dbSNP rs757577170, ClinGen allele CA5881244.
Genomic context (GRCh38, chr11:9,832,358, plus strand): 5'-AGAGTACCACTTCTTGAGTTCTTCCAACATACAACAGGCAGGCGATTGTGTCGATAGCAG[C>T]GAGCTACTCTTGGTAAACTACTGTCCTGTACAGCTTGAGGTACGACTAAAAGGCCAGGAT-3'
Protein context (NP_112224.1, residues 1163-1183): VQDSSLPRVA[Arg1173His]CYRHNRLPVV

ClinVar aggregate classification (germline): Uncertain significance. Review status: criteria provided, multiple submitters, no conflicts (2 of 4 stars). 3 submissions from 3 submitters: Uncertain significance (3). Last evaluated 2025-08-29.

Conditions:
Inborn genetic diseases. Identifiers: MedGen C0950123, MeSH D030342.
Charcot-Marie-Tooth disease. Also called: Charcot-Marie-Tooth Hereditary Neuropathy; Charcot-Marie-Tooth Neuropathy. Identifiers: Orphanet 166, MedGen C0007959, MONDO:0015626.
Charcot-Marie-Tooth disease type 4. Also called: Charcot-Marie-Tooth, Type 4; Charcot-Marie-Tooth disease, type IV. Identifiers: Orphanet 64749, MedGen C4082197, MONDO:0018995.

Allele frequency attached by ClinVar (database versions not stated): gnomAD 0.00001; gnomAD exomes 0.00003 and 0.00008; TOPMed 0.00004; ExAC 0.00008.
gnomAD v4.1: 47 of 1,613,832 alleles (0.0029%); highest among the groups gnomAD compares: South Asian, 0.025%; 2 homozygotes.

Submissions (3):

Labcorp Genetics (formerly Invitae), Labcorp
Classification: Uncertain significance for Charcot-Marie-Tooth disease type 4. Last evaluated: 2025-08-29. Review status: criteria provided, single submitter. Criteria: Invitae Variant Classification Sherloc (09022015). Collection method: clinical testing. Allele origin: germline.
Comment: This sequence change replaces arginine, which is basic and polar, with histidine, which is basic and polar, at codon 1173 of the SBF2 protein (p.Arg1173His). This variant is present in population databases (rs757577170, gnomAD 0.03%), including at least one homozygous and/or hemizygous individual. This variant has not been reported in the literature in individuals affected with SBF2-related conditions. ClinVar contains an entry for this variant (Variation ID: 916936). Invitae Evidence Modeling of protein sequence and biophysical properties (such as structural, functional, and spatial information, amino acid conservation, physicochemical variation, residue mobility, and thermodynamic stability) indicates that this missense variant is expected to disrupt SBF2 protein function with a positive predictive value of 80%. In summary, the available evidence is currently insufficient to determine the role of this variant in disease. Therefore, it has been classified as a Variant of Uncertain Significance.

Ambry Genetics
Classification: Uncertain significance for Inborn genetic diseases. Last evaluated: 2021-10-12. Review status: criteria provided, single submitter. Criteria: Ambry Variant Classification Scheme 2023. Collection method: clinical testing. Allele origin: germline.
Comment: The p.R1173H variant (also known as c.3518G>A), located in coding exon 27 of the SBF2 gene, results from a G to A substitution at nucleotide position 3518. The arginine at codon 1173 is replaced by histidine, an amino acid with highly similar properties. This amino acid position is conserved. In addition, the in silico prediction for this alteration is inconclusive. Since supporting evidence is limited at this time, the clinical significance of this alteration remains unclear.

Molecular Genetics Laboratory, London Health Sciences Centre
Classification: Uncertain significance for Charcot-Marie-Tooth disease. Review status: criteria provided, single submitter. Criteria: ACMG Guidelines, 2015. Collection method: clinical testing. Allele origin: germline. Affected: yes.